The following is an entry in ClinVar:

NM_000388.4(CASR):c.2852C>G (p.Pro951Arg)

Gene: CASR (calcium sensing receptor; plus strand). Cytogenetic location: 3q21.1.
Variant type: single nucleotide variant.
Coding change: c.2852C>G on transcript NM_000388.4 (MANE Select); coding-DNA position 2852, C replaced by G.
Protein change: p.Pro951Arg; replaces proline 951 with arginine.
Molecular consequence: missense variant.
Genome position (GRCh38, 1-based): chr3:122,284,806, C>G. VCF-style: chr3-122284806-C-G. GRCh37 (hg19) VCF-style: chr3-122003653-C-G.
Other names: c.2882C>G, p.Pro961Arg (NM_001178065.2); short protein forms P961R, P951R.
Identifiers: ClinVar variation 1997836 (VCV001997836.4), dbSNP rs2473282297, ClinGen allele CA354160908.
Genomic context (GRCh38, chr3:122,284,806, plus strand): 5'-AGCAGCAGCAGCCGCTGGCCCTAACCCAGCAAGAGCAGCAGCAGCAGCCCCTGACCCTCC[C>G]ACAGCAGCAACGATCTCAGCAGCAGCCCAGATGCAAGCAGAAGGTCATCTTTGGCAGCGG-3'
Protein context (NP_000379.3, residues 941-961): QEQQQQPLTL[Pro951Arg]QQQRSQQQPR

ClinVar aggregate classification (germline): Uncertain significance (1 of 4 stars; one submission).

Conditions:
Autosomal dominant hypocalcemia 1 (HYPOC1). Also called: HYPOCALCEMIA, FAMILIAL. Identifiers: MedGen C3715128, MONDO:0011013, OMIM 601198.
Familial hypocalciuric hypercalcemia (FHH). Also called: Familial benign hypercalcemia. Identifiers: Orphanet 405, MedGen C1809471, MONDO:0018458.

Submission:

Labcorp Genetics (formerly Invitae), Labcorp
Classification: Uncertain significance for Familial hypocalciuric hypercalcemia; Autosomal dominant hypocalcemia 1. Last evaluated: 2022-09-22. Review status: criteria provided, single submitter. Criteria: Invitae Variant Classification Sherloc (09022015). Collection method: clinical testing. Allele origin: germline.
Comment: Algorithms developed to predict the effect of missense changes on protein structure and function (SIFT, PolyPhen-2, Align-GVGD) all suggest that this variant is likely to be tolerated. In summary, the available evidence is currently insufficient to determine the role of this variant in disease. Therefore, it has been classified as a Variant of Uncertain Significance. This variant has not been reported in the literature in individuals affected with CASR-related conditions. This variant is not present in population databases (gnomAD no frequency). This sequence change replaces proline, which is neutral and non-polar, with arginine, which is basic and polar, at codon 951 of the CASR protein (p.Pro951Arg).